The following is an entry in ClinVar:

NM_000540.3(RYR1):c.8265T>G (p.Ile2755Met)

Gene: RYR1 (ryanodine receptor 1; plus strand). Cytogenetic location: 19q13.2.
Variant type: single nucleotide variant.
Coding change: c.8265T>G on transcript NM_000540.3 (MANE Select); coding-DNA position 8265, T replaced by G.
Protein change: p.Ile2755Met; replaces isoleucine 2755 with methionine.
Molecular consequence: missense variant.
Genome position (GRCh38, 1-based): chr19:38,505,036, T>G. VCF-style: chr19-38505036-T-G. GRCh37 (hg19) VCF-style: chr19-38995676-T-G.
Other names: c.8265T>G, p.Ile2755Met (NM_001042723.2); short protein forms I2755M.
Identifiers: ClinVar variation 2505896 (VCV002505896.3), dbSNP rs1970378148, ClinGen allele CA405677172.
Genomic context (GRCh38, chr19:38,505,036, plus strand): 5'-CATCTGCTGACCCTGTGCCCCCAACAGTGTGATCATCCCGGAGAAGCTGGACTCCTTCAT[T>G]AACAAGTTTGCGGAGTACACACACGAGAAGTGGGCCTTCGACAAGGTTGGCCTCAGGGTC-3'
Protein context (NP_000531.2, residues 2745-2765): VIIPEKLDSF[Ile2755Met]NKFAEYTHEK

ClinVar aggregate classification (germline): Uncertain significance. Review status: criteria provided, multiple submitters, no conflicts (2 of 4 stars). 2 submissions from 2 submitters: Uncertain significance (2). Last evaluated 2025-07-24.

Conditions:
Malignant hyperthermia, susceptibility to, 1 (MHS1). Also called: Anesthesia related hyperthermia; Malignant hyperpyrexia; Fulminating hyperpyrexia; Pharmacogenic myopathy; RYR1-Related Malignant Hyperthermia Susceptibility; Malignant hyperthermia suceptibility 1. Identifiers: Orphanet 423, MedGen C2930980, MONDO:0007783, OMIM 145600.

Allele frequency attached by ClinVar (database versions not stated): gnomAD exomes below 0.00001; TOPMed 0.00002.
gnomAD v4.1: 2 of 1,614,108 alleles (0.00012%); highest among the groups gnomAD compares: Non-Finnish European, 0.000085%; no homozygotes.

Submissions (2):

GeneDx
Classification: Uncertain significance. Last evaluated: 2025-07-24. Review status: criteria provided, single submitter. Criteria: GeneDx Variant Classification Process June 2021. Collection method: clinical testing. Allele origin: germline. Affected: yes.
Comment: Not observed at significant frequency in large population cohorts (gnomAD); In silico analysis suggests that this missense variant does not alter protein structure/function; Has not been previously published as pathogenic or benign to our knowledge; This variant is associated with the following publications: (PMID: 12668474)

All of Us Research Program, National Institutes of Health
Classification: Uncertain significance for Malignant hyperthermia, susceptibility to, 1. Last evaluated: 2023-05-31. Review status: criteria provided, single submitter. Criteria: ACMG Guidelines, 2015. Collection method: clinical testing. Allele origin: germline. Inheritance: Autosomal dominant inheritance. Observed: 1 variant allele, 1 heterozygote.
Comment: This study involves interpretation of variants in research participants for the purpose of population health screening. Participant phenotype was not available at the time of variant classification. Additional details can be found in publication PMID: 35346344, PMCID: PMC8962531